The following is an entry in ClinVar:

NM_001111.5(ADAR):c.1681G>A (p.Ala561Thr)

Gene: ADAR (adenosine deaminase RNA specific; minus strand). Cytogenetic location: 1q21.3.
Variant type: single nucleotide variant.
Coding change: c.1681G>A on transcript NM_001111.5 (MANE Select); coding-DNA position 1681, G replaced by A.
Protein change: p.Ala561Thr; replaces alanine 561 with threonine.
Molecular consequence: missense variant.
Genome position (GRCh38, 1-based): chr1:154,598,506, C>T on the plus strand (G>A on the coding strand, the complement: ADAR is on the minus strand). VCF-style: chr1-154598506-C-T. GRCh37 (hg19) VCF-style: chr1-154570982-C-T.
Other names: c.796G>A, p.Ala266Thr (NM_001025107.3, NM_001193495.2, NM_001365046.1 and 3 more transcripts); c.1708G>A, p.Ala570Thr (NM_001365045.1); c.1681G>A, p.Ala561Thr (NM_015840.4, NM_015841.4); short protein forms A266T, A561T, A570T.
Identifiers: ClinVar variation 1716018 (VCV001716018.5), dbSNP rs2526613465, ClinGen allele CA342639573.

ClinVar aggregate classification (germline): Uncertain significance (1 of 4 stars; one submission).

Conditions:
Symmetrical dyschromatosis of extremities (DSH). Also called: Dyschromatosis symmetrica hereditaria; RETICULATE ACROPIGMENTATION OF DOHI; SYMMETRIC DYSCHROMATOSIS OF THE EXTREMITIES; DYSCHROMATOSIS SYMMETRICA HEREDITARIA 1. Identifiers: Orphanet 41, MedGen C0406775, MONDO:0007483, OMIM 127400.
Aicardi-Goutieres syndrome 6 (AGS6). Identifiers: Orphanet 51, MedGen C3539013, MONDO:0014007, OMIM 615010.

Submission:

Labcorp Genetics (formerly Invitae), Labcorp
Classification: Uncertain significance for Aicardi-Goutieres syndrome 6; Symmetrical dyschromatosis of extremities. Last evaluated: 2024-06-11. Review status: criteria provided, single submitter. Criteria: Invitae Variant Classification Sherloc (09022015). Collection method: clinical testing. Allele origin: germline.
Comment: This sequence change replaces alanine, which is neutral and non-polar, with threonine, which is neutral and polar, at codon 561 of the ADAR protein (p.Ala561Thr). This variant is not present in population databases (gnomAD no frequency). This variant has not been reported in the literature in individuals affected with ADAR-related conditions. Advanced modeling of protein sequence and biophysical properties (such as structural, functional, and spatial information, amino acid conservation, physicochemical variation, residue mobility, and thermodynamic stability) has been performed at Invitae for this missense variant, however the output from this modeling did not meet the statistical confidence thresholds required to predict the impact of this variant on ADAR protein function. In summary, the available evidence is currently insufficient to determine the role of this variant in disease. Therefore, it has been classified as a Variant of Uncertain Significance.